The following is an entry in ClinVar:

NM_003060.4(SLC22A5):c.1053-6T>C

Gene: SLC22A5 (solute carrier family 22 member 5; plus strand). Cytogenetic location: 5q31.1.
Variant type: single nucleotide variant.
Coding change: c.1053-6T>C on transcript NM_003060.4 (MANE Select); 6 bases into the intron before coding-DNA position 1053, T replaced by C.
Molecular consequence: intron variant.
Genome position (GRCh38, 1-based): chr5:132,390,684, T>C. VCF-style: chr5-132390684-T-C. GRCh37 (hg19) VCF-style: chr5-131726376-T-C.
Other names: c.1125-6T>C (NM_001308122.2).
Identifiers: ClinVar variation 957579 (VCV000957579.9), dbSNP rs1752665099, ClinGen allele CA1139655908.

ClinVar aggregate classification (germline): Pathogenic (1 of 4 stars; one submission).

Conditions:
Renal carnitine transport defect (CDSP). Also called: Systemic primary carnitine deficiency disease; Primary carnitine deficiency; Carnitine transporter deficiency; Carnitine Deficiency, Systemic; CARNITINE DEFICIENCY, SYSTEMIC, DUE TO DEFECT IN RENAL REABSORPTION OF CARNITINE; CARNITINE TRANSPORTER, PLASMA-MEMBRANE, DEFICIENCY OF. Identifiers: Orphanet 158, MedGen C0342788, MONDO:0008919, OMIM 212140.

Allele frequency attached by ClinVar (database versions not stated): gnomAD exomes below 0.00001.
gnomAD v4.1: 1 of 1,607,792 alleles (0.000062%); highest among the groups gnomAD compares: Non-Finnish European, 0.000085%; no homozygotes.

Submission:

Labcorp Genetics (formerly Invitae), Labcorp
Classification: Pathogenic for Renal carnitine transport defect. Last evaluated: 2025-12-08. Review status: criteria provided, single submitter. Criteria: Invitae Variant Classification Sherloc (09022015). Collection method: clinical testing. Allele origin: germline.
Comment: This sequence change falls in intron 6 of the SLC22A5 gene. It does not directly change the encoded amino acid sequence of the SLC22A5 protein. This variant is not present in population databases (gnomAD no frequency). This variant has been observed in individual(s) with primary carnitine deficiency (internal data). In at least one individual the data is consistent with being in trans (on the opposite chromosome) from a pathogenic variant. It has also been observed to segregate with disease in related individuals. ClinVar contains an entry for this variant (Variation ID: 957579). Algorithms developed to predict the effect of sequence changes on RNA splicing suggest that this variant may disrupt the consensus splice site. For these reasons, this variant has been classified as Pathogenic.